The following is an entry in ClinVar:

ClinVar aggregate classification (germline): Uncertain significance (1 of 4 stars; one submission).

Submission:

Ambry Genetics
Classification: Uncertain significance. Last evaluated: 2023-04-28. Review status: criteria provided, single submitter. Criteria: Ambry Variant Classification Scheme 2023. Collection method: clinical testing. Allele origin: germline.
Comment: The p.G581R variant (also known as c.1741G>C), located in coding exon 18 of the KIF1B gene, results from a G to C substitution at nucleotide position 1741. The glycine at codon 581 is replaced by arginine, an amino acid with dissimilar properties. This amino acid position is conserved. In addition, this alteration is predicted to be deleterious by in silico analysis. Since supporting evidence is limited at this time, the clinical significance of this alteration remains unclear.

NM_001365951.3(KIF1B):c.1879G>C (p.Gly627Arg)

Gene: KIF1B (kinesin family member 1B; plus strand). Cytogenetic location: 1p36.22.
Variant type: single nucleotide variant.
Coding change: c.1879G>C on transcript NM_001365951.3 (MANE Select); coding-DNA position 1879, G replaced by C.
Protein change: p.Gly627Arg; replaces glycine 627 with arginine.
Molecular consequence: missense variant.
Genome position (GRCh38, 1-based): chr1:10,296,914, G>C. VCF-style: chr1-10296914-G-C. GRCh37 (hg19) VCF-style: chr1-10356972-G-C.
Other names: c.1879G>C, p.Gly627Arg (NM_001365952.1); c.1741G>C, p.Gly581Arg (NM_001365953.1, NM_015074.3, NM_183416.4); short protein forms G581R, G627R.
Identifiers: ClinVar variation 2563620 (VCV002563620.2), dbSNP rs2521401633, ClinGen allele CA338316577.